The following is an entry in ClinVar:

NM_015245.3(ANKS1A):c.249C>G (p.Pro83=)

Gene: ANKS1A (ankyrin repeat and sterile alpha motif domain containing 1A; plus strand). Cytogenetic location: 6p21.31.
Variant type: single nucleotide variant.
Coding change: c.249C>G on transcript NM_015245.3 (MANE Select); coding-DNA position 249, C replaced by G.
Protein change: p.Pro83=; no amino-acid change (proline 83 retained).
Molecular consequence: synonymous variant.
Genome position (GRCh38, 1-based): chr6:34,967,290, C>G. VCF-style: chr6-34967290-C-G. GRCh37 (hg19) VCF-style: chr6-34935067-C-G.
Identifiers: ClinVar variation 3067220 (VCV003067220.21), dbSNP rs147758055, ClinGen allele CA3767538.
Genomic context (GRCh38, chr6:34,967,290, plus strand): 5'-CCCTGATAGCATGTGGAGAGGGCCAAATGTGAACTGTGTTGACAGCACTGGCTACACACC[C>G]CTGCACCATGCTGCTTTGAATGGCCATAAGTAAGTATCAATGTACTACATTCCTGCCTTC-3'
Protein context (NP_056060.2, residues 73-93): VNCVDSTGYT[Pro83=]LHHAALNGHK

ClinVar aggregate classification (germline): Likely benign (1 of 4 stars; one submission).

Allele frequency attached by ClinVar (database versions not stated): 1000 Genomes Project 0.00080; 1000 Genomes Project 30x 0.00094; ExAC 0.00139; gnomAD 0.00178; TOPMed 0.00188; ESP Exome Variant Server 0.00238; gnomAD exomes 0.00303.

Submission:

CeGaT Center for Human Genetics Tuebingen
Classification: Likely benign. Last evaluated: 2024-03-01. Review status: criteria provided, single submitter. Criteria: CeGaT Center For Human Genetics Tuebingen Variant Classification Criteria Version 2. Collection method: clinical testing. Allele origin: germline. Affected: yes. Observed: 1 variant allele.
Comment: ANKS1A: BP4, BP7